The following is an entry in ClinVar:

NM_001347721.2(DYRK1A):c.421A>G (p.Lys141Glu)

Gene: DYRK1A (dual specificity tyrosine phosphorylation regulated kinase 1A; plus strand). Cytogenetic location: 21q22.13.
Variant type: single nucleotide variant.
Coding change: c.421A>G on transcript NM_001347721.2 (MANE Select); coding-DNA position 421, A replaced by G.
Protein change: p.Lys141Glu; replaces lysine 141 with glutamic acid.
Molecular consequence: missense variant.
Genome position (GRCh38, 1-based): chr21:37,480,758, A>G. VCF-style: chr21-37480758-A-G. GRCh37 (hg19) VCF-style: chr21-38853060-A-G.
Other names: c.421A>G, p.Lys141Glu (NM_001347722.2, NM_130436.2); c.334A>G, p.Lys112Glu (NM_001347723.2); c.448A>G, p.Lys150Glu (NM_001396.5, NM_101395.2, NM_130438.2); short protein forms K112E, K141E, K150E.
Identifiers: ClinVar variation 1938391 (VCV001938391.5), dbSNP rs1555980352, ClinGen allele CA409944435.

ClinVar aggregate classification (germline): Uncertain significance (1 of 4 stars; one submission).

Conditions:
DYRK1A-related intellectual disability syndrome (MRD7). Also called: Intellectual developmental disorder, autosomal dominant 7; DYRK1A Syndrome. Identifiers: Orphanet 464306, MedGen C5568143, MONDO:0013578, OMIM 614104.

Allele frequency attached by ClinVar (database versions not stated): gnomAD exomes below 0.00001.
gnomAD v4.1: 1 of 1,612,668 alleles (0.000062%); highest among the groups gnomAD compares: African/African-American, 0.0013%; no homozygotes.

Submission:

Labcorp Genetics (formerly Invitae), Labcorp
Classification: Uncertain significance for DYRK1A-related intellectual disability syndrome. Last evaluated: 2025-06-23. Review status: criteria provided, single submitter. Criteria: Invitae Variant Classification Sherloc (09022015). Collection method: clinical testing. Allele origin: germline.
Comment: This sequence change replaces lysine, which is basic and polar, with glutamic acid, which is acidic and polar, at codon 150 of the DYRK1A protein (p.Lys150Glu). This variant is not present in population databases (gnomAD no frequency). This variant has not been reported in the literature in individuals affected with DYRK1A-related conditions. ClinVar contains an entry for this variant (Variation ID: 1938391). Invitae Evidence Modeling of protein sequence and biophysical properties (such as structural, functional, and spatial information, amino acid conservation, physicochemical variation, residue mobility, and thermodynamic stability) indicates that this missense variant is not expected to disrupt DYRK1A protein function with a negative predictive value of 80%. In summary, the available evidence is currently insufficient to determine the role of this variant in disease. Therefore, it has been classified as a Variant of Uncertain Significance.